The following is an entry in ClinVar:

NM_002693.3(POLG):c.2409C>T (p.Asn803=)

Gene: POLG (DNA polymerase gamma, catalytic subunit; minus strand). Cytogenetic location: 15q26.1.
Variant type: single nucleotide variant.
Coding change: c.2409C>T on transcript NM_002693.3 (MANE Select); coding-DNA position 2409, C replaced by T.
Protein change: p.Asn803=; no amino-acid change (asparagine 803 retained).
Molecular consequence: synonymous variant.
Genome position (GRCh38, 1-based): chr15:89,322,759, G>A on the plus strand (C>T on the coding strand, the complement: POLG is on the minus strand). VCF-style: chr15-89322759-G-A. GRCh37 (hg19) VCF-style: chr15-89865990-G-A.
Other names: c.2409C>T, p.Asn803= (NM_001126131.2).
Identifiers: ClinVar variation 619469 (VCV000619469.9), dbSNP rs1236942179, ClinGen allele CA10602225.

ClinVar aggregate classification (germline): Likely benign. Review status: criteria provided, multiple submitters, no conflicts (2 of 4 stars). 2 submissions from 2 submitters: Likely benign (2). Last evaluated 2023-12-05.

Conditions:
Progressive sclerosing poliodystrophy (MTDPS4A). Also called: Alpers-Huttenlocher Syndrome (AHS); Alpers Syndrome; ALPERS PROGRESSIVE INFANTILE POLIODYSTROPHY; Mitochondrial DNA depletion syndrome 4A (Alpers type); ALPERS DIFFUSE DEGENERATION OF CEREBRAL GRAY MATTER WITH HEPATIC CIRRHOSIS; Alpers-Huttenlocher Syndrome. Identifiers: Orphanet 726, MedGen C0205710, MONDO:0008758, OMIM 203700.

Allele frequency attached by ClinVar (database versions not stated): gnomAD exomes below 0.00001; TOPMed 0.00002.

Submissions (2):

Labcorp Genetics (formerly Invitae), Labcorp
Classification: Likely benign for Progressive sclerosing poliodystrophy. Last evaluated: 2023-12-05. Review status: criteria provided, single submitter. Criteria: Invitae Variant Classification Sherloc (09022015). Collection method: clinical testing. Allele origin: germline.

Wong Mito Lab, Molecular and Human Genetics, Baylor College of Medicine
Classification: Likely benign for Progressive sclerosing poliodystrophy. Last evaluated: 2018-10-01. Review status: criteria provided, single submitter. Criteria: ACMG Guidelines, 2015. Collection method: clinical testing. Allele origin: germline.
Comment: The NM_002693.2:c.2409C>T (NP_002684.1:p.Asn803=) [GRCH38: NC_000015.10:g.89322759G>A] variant in POLG gene is interpretated to be a Likely Benign based on ACMG guidelines (PMID: 25741868). This variant meets the following evidence codes reported in the ACMG-guideline. BP4:Computational evidence/predictors indicate no impact on the POLG structure, function, or protein-protein interaction. BP7:The variant is silent with non predicted splice impact. Based on the evidence criteria codes applied, the variant is suggested to be Likely Benign.